The following is an entry in ClinVar:

ClinVar aggregate classification (germline): Likely benign. Review status: criteria provided, multiple submitters, no conflicts (2 of 4 stars). 2 submissions from 2 submitters: Likely benign (2). Last evaluated 2025-06-22.

Allele frequency attached by ClinVar (database versions not stated): ESP Exome Variant Server 0.00008; gnomAD 0.00011; gnomAD exomes 0.00012; ExAC 0.00082.
gnomAD v4.1: 208 of 1,546,716 alleles (0.013%); highest among the groups gnomAD compares: Middle Eastern, 0.2%; 1 homozygote.

Submissions (2):

Labcorp Genetics (formerly Invitae), Labcorp
Classification: Likely benign. Last evaluated: 2025-06-22. Review status: criteria provided, single submitter. Criteria: Invitae Variant Classification Sherloc (09022015). Collection method: clinical testing. Allele origin: germline.

CeGaT Center for Human Genetics Tuebingen
Classification: Likely benign. Last evaluated: 2022-03-01. Review status: criteria provided, single submitter. Criteria: CeGaT Center For Human Genetics Tuebingen Variant Classification Criteria Version 2. Collection method: clinical testing. Allele origin: germline. Affected: yes. Observed: 1 variant allele.
Comment: NDUFB10: BP4, BP7

NM_004548.3(NDUFB10):c.409+20C>T

Gene: NDUFB10 (NADH:ubiquinone oxidoreductase subunit B10; plus strand). Cytogenetic location: 16p13.3.
Variant type: single nucleotide variant.
Coding change: c.409+20C>T on transcript NM_004548.3 (MANE Select); 20 bases into the intron after coding-DNA position 409, C replaced by T.
Molecular consequence: intron variant.
Genome position (GRCh38, 1-based): chr16:1,961,656, C>T. VCF-style: chr16-1961656-C-T. GRCh37 (hg19) VCF-style: chr16-2011657-C-T.
Identifiers: ClinVar variation 1971227 (VCV001971227.29), dbSNP rs370223319, ClinGen allele CA7823372.